The following is an entry in ClinVar:

NM_006231.4(POLE):c.906C>A (p.Gly302=)

Gene: POLE (DNA polymerase epsilon, catalytic subunit; minus strand). Cytogenetic location: 12q24.33.
Variant type: single nucleotide variant.
Coding change: c.906C>A on transcript NM_006231.4 (MANE Select); coding-DNA position 906, C replaced by A.
Protein change: p.Gly302=; no amino-acid change (glycine 302 retained).
Molecular consequence: synonymous variant.
Genome position (GRCh38, 1-based): chr12:132,676,549, G>T on the plus strand (C>A on the coding strand, the complement: POLE is on the minus strand). VCF-style: chr12-132676549-G-T. GRCh37 (hg19) VCF-style: chr12-133253135-G-T.
Identifiers: ClinVar variation 3904301 (VCV003904301.1).

ClinVar aggregate classification (germline): Benign (1 of 4 stars; one submission).

Conditions:
Colorectal cancer, susceptibility to, 12 (CRCS12). Also called: COLORECTAL CANCER, SUSCEPTIBILITY TO, ON CHROMOSOME 12q24. Identifiers: Orphanet 220460, MedGen C3554460, MONDO:0014038, OMIM 615083.

Submission:

Myriad Genetics, Inc.
Classification: Benign for Colorectal cancer, susceptibility to, 12. Last evaluated: 2025-02-07. Review status: criteria provided, single submitter. Criteria: Myriad Autosomal Dominant, Autosomal Recessive and X-Linked Classification Criteria (2023). Collection method: clinical testing. Allele origin: unknown.
Comment: This variant is considered benign. This variant is a silent/synonymous amino acid change and it is not expected to impact splicing.